The following is an entry in ClinVar:

NM_206933.4(USH2A):c.2291G>T (p.Gly764Val)

Gene: USH2A (usherin; minus strand). Cytogenetic location: 1q41.
Variant type: single nucleotide variant.
Coding change: c.2291G>T on transcript NM_206933.4 (MANE Select); coding-DNA position 2291, G replaced by T.
Protein change: p.Gly764Val; replaces glycine 764 with valine.
Molecular consequence: missense variant.
Genome position (GRCh38, 1-based): chr1:216,247,103, C>A on the plus strand (G>T on the coding strand, the complement: USH2A is on the minus strand). VCF-style: chr1-216247103-C-A. GRCh37 (hg19) VCF-style: chr1-216420445-C-A.
Other names: c.2291G>T, p.Gly764Val (NM_007123.6); short protein forms G764V.
Identifiers: ClinVar variation 3896308 (VCV003896308.2).

ClinVar aggregate classification (germline): Uncertain significance (1 of 4 stars; one submission).

gnomAD v4.1: 1 of 1,613,850 alleles (0.000062%); highest among the groups gnomAD compares: Non-Finnish European, 0.000085%; no homozygotes.

Submission:

Women's Health and Genetics/Laboratory Corporation of America, LabCorp
Classification: Uncertain significance. Last evaluated: 2025-04-14. Review status: criteria provided, single submitter. Criteria: LabCorp Variant Classification Summary - May 2015. Collection method: clinical testing. Allele origin: germline.
Comment: Variant summary: USH2A c.2291G>T (p.Gly764Val) results in a non-conservative amino acid change in the encoded protein sequence. Five of five in-silico tools predict a damaging effect of the variant on protein function. The frequency data for this variant in gnomAD is considered unreliable, as metrics indicate poor data quality at this position. c.2291G>T has been observed in individual(s) affected with retinitis pigmentosa (example: Pierrache_2016). These report(s) do not provide unequivocal conclusions about association of the variant with Usher Syndrome. To our knowledge, no experimental evidence demonstrating an impact on protein function has been reported. The following publication has been ascertained in the context of this evaluation (PMID: 26927203).No submitters have cited clinical-significance assessments for this variant to ClinVar. Based on the evidence outlined above, the variant was classified as uncertain significance.

Literature cited by the submitters: PubMed 26927203.